The following is an entry in ClinVar:

ClinVar aggregate classification (germline): Pathogenic (1 of 4 stars; one submission).

Conditions:
PRPH2-related disorder. Also called: PRPH2-related disorders; PRPH2-related condition. Identifiers: MedGen CN239395.

Submission:

Labcorp Genetics (formerly Invitae), Labcorp
Classification: Pathogenic for PRPH2-related disorder. Last evaluated: 2022-05-15. Review status: criteria provided, single submitter. Criteria: Invitae Variant Classification Sherloc (09022015). Collection method: clinical testing. Allele origin: germline.
Comment: This sequence change creates a premature translational stop signal (p.Trp316*) in the PRPH2 gene. While this is not anticipated to result in nonsense mediated decay, it is expected to disrupt the last 31 amino acid(s) of the PRPH2 protein. This variant is not present in population databases (gnomAD no frequency). This premature translational stop signal has been observed in individual(s) with autosomal dominant adult vitelliform macular dystrophy (PMID: 9338584). This variant disrupts a region of the PRPH2 protein in which other variant(s) (p.Val332Glu) have been determined to be pathogenic (PMID: 30718709, 32531846; Invitae). This suggests that this is a clinically significant region of the protein, and that variants that disrupt it are likely to be disease-causing. For these reasons, this variant has been classified as Pathogenic.

Literature cited by the submitters: PubMed 9338584; PubMed 30718709; PubMed 32531846.

NM_000322.5(PRPH2):c.948del (p.Thr315_Trp316insTer)

Gene: PRPH2 (peripherin 2; minus strand). Cytogenetic location: 6p21.1.
Variant type: Deletion.
Coding change: c.948del on transcript NM_000322.5 (MANE Select); coding-DNA position 948, one base deleted (G; older notation c.948delG).
Protein change: p.Thr315_Trp316insTer.
Molecular consequence: nonsense.
Genome position (GRCh38, 1-based): chr6:42,698,388, C deleted on the plus strand (G on the coding strand, the reverse complement: PRPH2 is on the minus strand); the first of 2 consecutive C bases (chr6:42,698,388-42,698,389); deleting either gives the same sequence. VCF-style (leftmost placement, unchanged base first): chr6-42698387-TC-T. GRCh37 (hg19) VCF-style: chr6-42666125-TC-T.
Identifiers: ClinVar variation 1994560 (VCV001994560.4), dbSNP rs2548298274, ClinGen allele CA2580074531.